The following is an entry in ClinVar:

NM_172364.5(CACNA2D4):c.1402_1410del (p.Glu468_Leu470del)

Gene: CACNA2D4 (calcium voltage-gated channel auxiliary subunit alpha2delta 4; minus strand). Cytogenetic location: 12p13.33.
Variant type: Deletion.
Coding change: c.1402_1410del on transcript NM_172364.5 (MANE Select); coding-DNA positions 1402 to 1410, 9 bases deleted (GAATACCTG; older notation c.1402_1410delGAATACCTG).
Protein change: p.Glu468_Leu470del.
Molecular consequence: inframe deletion.
Genome position (GRCh38, 1-based): chr12:1,882,942-1,882,950, CAGGTATTC deleted on the plus strand (GAATACCTG on the coding strand, the reverse complement: CACNA2D4 is on the minus strand); deleting any 9 consecutive bases within chr12:1,882,942-1,882,952 gives the same sequence; the c. name uses the placement nearest the transcript's 3' end. VCF-style (leftmost placement, unchanged base first): chr12-1882941-GCAGGTATTC-G. GRCh37 (hg19) VCF-style: chr12-1992107-GCAGGTATTC-G.
Identifiers: ClinVar variation 3618123 (VCV003618123.2).

ClinVar aggregate classification (germline): Uncertain significance (1 of 4 stars; one submission).

Submission:

Labcorp Genetics (formerly Invitae), Labcorp
Classification: Uncertain significance. Last evaluated: 2024-02-17. Review status: criteria provided, single submitter. Criteria: Invitae Variant Classification Sherloc (09022015). Collection method: clinical testing. Allele origin: germline.
Comment: This variant, c.1402_1410del, results in the deletion of 3 amino acid(s) of the CACNA2D4 protein (p.Glu468_Leu470del), but otherwise preserves the integrity of the reading frame. This variant is not present in population databases (gnomAD no frequency). This variant has not been reported in the literature in individuals affected with CACNA2D4-related conditions. Experimental studies and prediction algorithms are not available or were not evaluated, and the functional significance of this variant is currently unknown. In summary, the available evidence is currently insufficient to determine the role of this variant in disease. Therefore, it has been classified as a Variant of Uncertain Significance.